The following is an entry in ClinVar:

NM_004646.4(NPHS1):c.422C>A (p.Thr141Asn)

Gene: NPHS1 (NPHS1 adhesion molecule, nephrin; minus strand). Cytogenetic location: 19q13.12.
Variant type: single nucleotide variant.
Coding change: c.422C>A on transcript NM_004646.4 (MANE Select); coding-DNA position 422, C replaced by A.
Protein change: p.Thr141Asn; replaces threonine 141 with asparagine.
Molecular consequence: missense variant.
Genome position (GRCh38, 1-based): chr19:35,851,065, G>T on the plus strand (C>A on the coding strand, the complement: NPHS1 is on the minus strand). VCF-style: chr19-35851065-G-T. GRCh37 (hg19) VCF-style: chr19-36341967-G-T.
Other names: short protein forms T141N.
Identifiers: ClinVar variation 1714738 (VCV001714738.5), dbSNP rs2513784051, ClinGen allele CA405410250.

ClinVar aggregate classification (germline): Uncertain significance (1 of 4 stars; one submission).

Allele frequency attached by ClinVar (database versions not stated): gnomAD exomes below 0.00001.
gnomAD v4.1: 1 of 1,614,210 alleles (0.000062%); highest among the groups gnomAD compares: South Asian, 0.0011%; no homozygotes.

Submission:

Labcorp Genetics (formerly Invitae), Labcorp
Classification: Uncertain significance. Last evaluated: 2022-08-26. Review status: criteria provided, single submitter. Criteria: Invitae Variant Classification Sherloc (09022015). Collection method: clinical testing. Allele origin: germline.
Comment: This sequence change replaces threonine, which is neutral and polar, with asparagine, which is neutral and polar, at codon 141 of the NPHS1 protein (p.Thr141Asn). This variant is not present in population databases (gnomAD no frequency). This variant has not been reported in the literature in individuals affected with NPHS1-related conditions. Advanced modeling of protein sequence and biophysical properties (such as structural, functional, and spatial information, amino acid conservation, physicochemical variation, residue mobility, and thermodynamic stability) performed at Invitae indicates that this missense variant is not expected to disrupt NPHS1 protein function. In summary, the available evidence is currently insufficient to determine the role of this variant in disease. Therefore, it has been classified as a Variant of Uncertain Significance.